The following is an entry in ClinVar:

ClinVar aggregate classification (germline): Conflicting classifications of pathogenicity. Review status: criteria provided, conflicting classifications (1 of 4 stars). 2 submissions from 2 submitters: Uncertain significance (1); Likely benign (1). Last evaluated 2023-05-01.

Conditions:
TNF receptor-associated periodic fever syndrome (TRAPS) (FPF). Also called: TNF RECEPTOR-ASSOCIATED PERIODIC SYNDROME; TUMOR NECROSIS FACTOR RECEPTOR-ASSOCIATED PERIODIC SYNDROME; TNF Receptor-Associated Periodic Fever Syndrome; Autosomal Dominant Familial Periodic Fever; TNF receptor 1-associated periodic fever syndrome; FAMILIAL HIBERNIAN FEVER. Identifiers: Orphanet 32960, MedGen C1275126, MONDO:0007727, OMIM 142680.

Allele frequency attached by ClinVar (database versions not stated): gnomAD 0.00042 and 0.00052; TOPMed 0.00044; gnomAD exomes 0.00087; 1000 Genomes Project 30x 0.00187; 1000 Genomes Project 0.00220.
gnomAD v4.1: 300 of 408,196 alleles (0.073%); highest among the groups gnomAD compares: East Asian, 0.48%; 2 homozygotes.

Submissions (2):

CeGaT Center for Human Genetics Tuebingen
Classification: Likely benign. Last evaluated: 2023-05-01. Review status: criteria provided, single submitter. Criteria: CeGaT Center For Human Genetics Tuebingen Variant Classification Criteria Version 2. Collection method: clinical testing. Allele origin: germline. Affected: yes. Observed: 1 variant allele.
Comment: TNFRSF1A: BS1

Illumina Laboratory Services, Illumina
Classification: Uncertain significance for TNF receptor-associated periodic fever syndrome (TRAPS). Last evaluated: 2017-04-27. Review status: criteria provided, single submitter. Criteria: ICSL Variant Classification Criteria 13 December 2019. Collection method: clinical testing. Allele origin: germline.

NM_001065.4(TNFRSF1A):c.*252A>G

Gene: TNFRSF1A (TNF receptor superfamily member 1A; minus strand). Cytogenetic location: 12p13.31.
Variant type: single nucleotide variant.
Coding change: c.*252A>G on transcript NM_001065.4 (MANE Select); 252 bases downstream of the stop codon, A replaced by G.
Molecular consequence: 3 prime UTR variant. On other transcripts: non-coding transcript variant (1).
Genome position (GRCh38, 1-based): chr12:6,329,060, T>C on the plus strand (A>G on the coding strand, the complement: TNFRSF1A is on the minus strand). VCF-style: chr12-6329060-T-C. GRCh37 (hg19) VCF-style: chr12-6438226-T-C.
Other names: c.*252A>G (NM_001346091.2, NM_001346092.2).
Identifiers: ClinVar variation 883007 (VCV000883007.31), dbSNP rs45563431, ClinGen allele CA232325253.